The following is an entry in ClinVar:

ClinVar aggregate classification (germline): Uncertain significance (1 of 4 stars; one submission).

Conditions:
Inborn genetic diseases. Identifiers: MedGen C0950123, MeSH D030342.

gnomAD v4.1: 1 of 1,613,360 alleles (0.000062%); highest among the groups gnomAD compares: East Asian, 0.0022%; no homozygotes.

Submission:

Ambry Genetics
Classification: Uncertain significance for Inborn genetic diseases. Last evaluated: 2025-08-31. Review status: criteria provided, single submitter. Criteria: Ambry Variant Classification Scheme 2023. Collection method: clinical testing. Allele origin: germline.
Comment: The p.Q831E variant (also known as c.2491C>G), located in coding exon 22 of the ANKRD26 gene, results from a C to G substitution at nucleotide position 2491. The glutamine at codon 831 is replaced by glutamic acid, an amino acid with highly similar properties. This amino acid position is conserved. In addition, this alteration is predicted to be tolerated by in silico analysis. Based on the available evidence, the clinical significance of this variant remains unclear.

NM_014915.3(ANKRD26):c.2491C>G (p.Gln831Glu)

Gene: ANKRD26 (ankyrin repeat domain containing 26; minus strand). Cytogenetic location: 10p12.1.
Variant type: single nucleotide variant.
Coding change: c.2491C>G on transcript NM_014915.3 (MANE Select); coding-DNA position 2491, C replaced by G.
Protein change: p.Gln831Glu; replaces glutamine 831 with glutamic acid.
Molecular consequence: missense variant.
Genome position (GRCh38, 1-based): chr10:27,037,939, G>C on the plus strand (C>G on the coding strand, the complement: ANKRD26 is on the minus strand). VCF-style: chr10-27037939-G-C. GRCh37 (hg19) VCF-style: chr10-27326868-G-C.
Other names: c.2488C>G, p.Gln830Glu (NM_001256053.2); short protein forms Q830E, Q831E.
Identifiers: ClinVar variation 4104613 (VCV004104613.1).